The following is an entry in ClinVar:

NM_018060.4(IARS2):c.1475C>T (p.Ala492Val)

Gene: IARS2 (isoleucyl-tRNA synthetase 2, mitochondrial; plus strand). Cytogenetic location: 1q41.
Variant type: single nucleotide variant.
Coding change: c.1475C>T on transcript NM_018060.4 (MANE Select); coding-DNA position 1475, C replaced by T.
Protein change: p.Ala492Val; replaces alanine 492 with valine.
Molecular consequence: missense variant.
Genome position (GRCh38, 1-based): chr1:220,110,933, C>T. VCF-style: chr1-220110933-C-T. GRCh37 (hg19) VCF-style: chr1-220284275-C-T.
Other names: c.1475C>T (NM_018060.3); short protein forms A492V.
Identifiers: ClinVar variation 1465060 (VCV001465060.7), dbSNP rs373126130, ClinGen allele CA1401431.
Genomic context (GRCh38, chr1:220,110,933, plus strand): 5'-CTGTGGTTATTCGTGCCAGCAAGCAGTGGTTTATAAACATCACGGATATTAAGACTGCAG[C>T]CAAGGTATAAAAAGCATCCTGTTTTAACAGGTCGGGCATATCATTCCCTCAGTATAAAGG-3'
Protein context (NP_060530.3, residues 482-502): FINITDIKTA[Ala492Val]KELLKKVKFI

ClinVar aggregate classification (germline): Uncertain significance. Review status: criteria provided, multiple submitters, no conflicts (2 of 4 stars). 2 submissions from 2 submitters: Uncertain significance (2). Last evaluated 2023-06-06.

Conditions:
Inborn genetic diseases. Identifiers: MedGen C0950123, MeSH D030342.

Allele frequency attached by ClinVar (database versions not stated): gnomAD exomes below 0.00001 and 0.00001; ExAC 0.00001; gnomAD 0.00001; ESP Exome Variant Server 0.00008.
gnomAD v4.1: 4 of 1,611,212 alleles (0.00025%); highest among the groups gnomAD compares: African/African-American, 0.0054%; no homozygotes.

Submissions (2):

Ambry Genetics
Classification: Uncertain significance for Inborn genetic diseases. Last evaluated: 2023-06-06. Review status: criteria provided, single submitter. Criteria: Ambry Variant Classification Scheme 2023. Collection method: clinical testing. Allele origin: germline.

Labcorp Genetics (formerly Invitae), Labcorp
Classification: Uncertain significance. Last evaluated: 2021-08-24. Review status: criteria provided, single submitter. Criteria: Invitae Variant Classification Sherloc (09022015). Collection method: clinical testing. Allele origin: germline.
Comment: In summary, the available evidence is currently insufficient to determine the role of this variant in disease. Therefore, it has been classified as a Variant of Uncertain Significance. Algorithms developed to predict the effect of missense changes on protein structure and function are either unavailable or do not agree on the potential impact of this missense change (SIFT: "Deleterious"; PolyPhen-2: "Possibly Damaging"; Align-GVGD: "Class C15"). This sequence change replaces alanine with valine at codon 492 of the IARS2 protein (p.Ala492Val). The alanine residue is highly conserved and there is a small physicochemical difference between alanine and valine. This variant has not been reported in the literature in individuals affected with IARS2-related conditions. This variant is present in population databases (rs373126130, ExAC 0.01%).